The following is an entry in ClinVar:

NM_002529.4(NTRK1):c.172A>C (p.Ser58Arg)

Gene: NTRK1 (neurotrophic receptor tyrosine kinase 1; plus strand). Cytogenetic location: 1q23.1.
Variant type: single nucleotide variant.
Coding change: c.172A>C on transcript NM_002529.4 (MANE Select); coding-DNA position 172, A replaced by C.
Protein change: p.Ser58Arg; replaces serine 58 with arginine.
Molecular consequence: missense variant. On other transcripts: intron variant (1).
Genome position (GRCh38, 1-based): chr1:156,861,106, A>C. VCF-style: chr1-156861106-A-C. GRCh37 (hg19) VCF-style: chr1-156830898-A-C.
Other names: c.172A>C, p.Ser58Arg (NM_001012331.2); c.123-3248A>C (NM_001007792.1); c.172A>C (NM_001012331.1); short protein forms S58R.
Identifiers: ClinVar variation 1395690 (VCV001395690.7), dbSNP rs2102879484, ClinGen allele CA342929977.

ClinVar aggregate classification (germline): Uncertain significance (1 of 4 stars; one submission).

Conditions:
Hereditary insensitivity to pain with anhidrosis (CIPA). Also called: NTRK1 Congenital Insensitivity to Pain with Anhidrosis; HSAN Type IV; FAMILIAL DYSAUTONOMIA, TYPE II; INSENSITIVITY TO PAIN, CONGENITAL, WITH ANHIDROSIS; NEUROPATHY, CONGENITAL SENSORY, WITH ANHIDROSIS; hereditary sensory and autonomic neuropathy type 4. Identifiers: Orphanet 642, MedGen C0020074, MONDO:0009746, OMIM 256800.

Submission:

Labcorp Genetics (formerly Invitae), Labcorp
Classification: Uncertain significance for Hereditary insensitivity to pain with anhidrosis. Last evaluated: 2021-11-29. Review status: criteria provided, single submitter. Criteria: Invitae Variant Classification Sherloc (09022015). Collection method: clinical testing. Allele origin: germline.
Comment: Advanced modeling of protein sequence and biophysical properties (such as structural, functional, and spatial information, amino acid conservation, physicochemical variation, residue mobility, and thermodynamic stability) performed at Invitae indicates that this missense variant is not expected to disrupt NTRK1 protein function. This variant has not been reported in the literature in individuals affected with NTRK1-related conditions. This variant is not present in population databases (gnomAD no frequency). This sequence change replaces serine, which is neutral and polar, with arginine, which is basic and polar, at codon 58 of the NTRK1 protein (p.Ser58Arg). In summary, the available evidence is currently insufficient to determine the role of this variant in disease. Therefore, it has been classified as a Variant of Uncertain Significance.